The following is an entry in ClinVar:

ClinVar aggregate classification (germline): Uncertain significance. Review status: criteria provided, multiple submitters, no conflicts (2 of 4 stars). 2 submissions from 2 submitters: Uncertain significance (2). Last evaluated 2025-06-02.

Allele frequency attached by ClinVar (database versions not stated): gnomAD exomes 0.00001 and below 0.00001; TOPMed below 0.00001; ExAC 0.00001; gnomAD 0.00001; ESP Exome Variant Server 0.00008.
gnomAD v4.1: 13 of 1,613,664 alleles (0.00081%); highest among the groups gnomAD compares: Non-Finnish European, 0.0011%; no homozygotes.

Submissions (2):

Labcorp Genetics (formerly Invitae), Labcorp
Classification: Uncertain significance. Last evaluated: 2025-06-02. Review status: criteria provided, single submitter. Criteria: Invitae Variant Classification Sherloc (09022015). Collection method: clinical testing. Allele origin: germline.
Comment: This sequence change replaces valine, which is neutral and non-polar, with isoleucine, which is neutral and non-polar, at codon 652 of the SAMD9L protein (p.Val652Ile). This variant is present in population databases (rs150143522, gnomAD 0.0009%). This variant has not been reported in the literature in individuals affected with SAMD9L-related conditions. ClinVar contains an entry for this variant (Variation ID: 1336897). An algorithm developed to predict the effect of missense changes on protein structure and function outputs the following: PolyPhen-2: "Benign". The isoleucine amino acid residue is found in multiple mammalian species, which suggests that this missense change does not adversely affect protein function. In summary, the available evidence is currently insufficient to determine the role of this variant in disease. Therefore, it has been classified as a Variant of Uncertain Significance.

Genetic Services Laboratory, University of Chicago
Classification: Uncertain significance. Last evaluated: 2018-10-24. Review status: criteria provided, single submitter. Criteria: ACMG Guidelines, 2015. Collection method: clinical testing. Allele origin: germline. Affected: no.

NM_152703.5(SAMD9L):c.1954G>A (p.Val652Ile)

Gene: SAMD9L (sterile alpha motif domain containing 9 like; minus strand). Cytogenetic location: 7q21.2.
Variant type: single nucleotide variant.
Coding change: c.1954G>A on transcript NM_152703.5 (MANE Select); coding-DNA position 1954, G replaced by A.
Protein change: p.Val652Ile; replaces valine 652 with isoleucine.
Molecular consequence: missense variant.
Genome position (GRCh38, 1-based): chr7:93,134,018, C>T on the plus strand (G>A on the coding strand, the complement: SAMD9L is on the minus strand). VCF-style: chr7-93134018-C-T. GRCh37 (hg19) VCF-style: chr7-92763331-C-T.
Other names: c.1954G>A, p.Val652Ile (NM_001303496.3, NM_001303497.3, NM_001303498.3 and 5 more transcripts); short protein forms V652I.
Identifiers: ClinVar variation 1336897 (VCV001336897.7), dbSNP rs150143522, ClinGen allele CA4343653.